The following is an entry in ClinVar:

ClinVar aggregate classification (germline): Pathogenic (1 of 4 stars; one submission).

Conditions:
Primary ciliary dyskinesia. Also called: Ciliary dyskinesia. Identifiers: Orphanet 244, MedGen C0008780, MONDO:0016575, HP:0012265.

Submission:

Labcorp Genetics (formerly Invitae), Labcorp
Classification: Pathogenic for Primary ciliary dyskinesia. Last evaluated: 2024-03-07. Review status: criteria provided, single submitter. Criteria: Invitae Variant Classification Sherloc (09022015). Collection method: clinical testing. Allele origin: germline.
Comment: This sequence change creates a premature translational stop signal (p.Tyr3178*) in the DNAH5 gene. It is expected to result in an absent or disrupted protein product. Loss-of-function variants in DNAH5 are known to be pathogenic (PMID: 11788826, 16627867). This variant is not present in population databases (gnomAD no frequency). This variant has not been reported in the literature in individuals affected with DNAH5-related conditions. ClinVar contains an entry for this variant (Variation ID: 652322). For these reasons, this variant has been classified as Pathogenic.

Literature cited by the submitters: PubMed 11788826; PubMed 16627867.

NM_001369.3(DNAH5):c.9534C>A (p.Tyr3178Ter)

Gene: DNAH5 (dynein axonemal heavy chain 5; minus strand). Cytogenetic location: 5p15.2.
Variant type: single nucleotide variant.
Coding change: c.9534C>A on transcript NM_001369.3 (MANE Select); coding-DNA position 9534, C replaced by A.
Protein change: p.Tyr3178Ter; replaces tyrosine 3178 with a stop codon.
Molecular consequence: nonsense.
Genome position (GRCh38, 1-based): chr5:13,770,820, G>T on the plus strand (C>A on the coding strand, the complement: DNAH5 is on the minus strand). VCF-style: chr5-13770820-G-T. GRCh37 (hg19) VCF-style: chr5-13770929-G-T.
Other names: short protein forms Y3178*.
Identifiers: ClinVar variation 652322 (VCV000652322.5), dbSNP rs1580150353, ClinGen allele CA359204463.